The following is an entry in ClinVar:

NM_145068.4(TRPV3):c.270G>A (p.Gln90=)

Gene: TRPV3 (transient receptor potential cation channel subfamily V member 3; minus strand). Cytogenetic location: 17p13.2.
Variant type: single nucleotide variant.
Coding change: c.270G>A on transcript NM_145068.4 (MANE Select); coding-DNA position 270, G replaced by A.
Protein change: p.Gln90=; no amino-acid change (glutamine 90 retained).
Molecular consequence: synonymous variant.
Genome position (GRCh38, 1-based): chr17:3,544,620, C>T on the plus strand (G>A on the coding strand, the complement: TRPV3 is on the minus strand). VCF-style: chr17-3544620-C-T. GRCh37 (hg19) VCF-style: chr17-3447914-C-T.
Other names: c.270G>A, p.Gln90= (NM_001258205.2).
Identifiers: ClinVar variation 322795 (VCV000322795.18), dbSNP rs1039519, ClinGen allele CA8289916.

ClinVar aggregate classification (germline): Benign. Review status: criteria provided, multiple submitters, no conflicts (2 of 4 stars). 6 submissions from 5 submitters: Benign (6). Last evaluated 2026-02-04.

Conditions:
Isolated focal non-epidermolytic palmoplantar keratoderma. Also called: Palmoplantar keratoderma, nonepidermolytic, focal 2. Identifiers: Orphanet 448264, MedGen C4225339, MONDO:0014622, OMIM 616400.
Olmsted syndrome 1. Identifiers: Orphanet 659, MedGen C5542829, MONDO:0100296, OMIM 614594.

Allele frequency attached by ClinVar (database versions not stated): ESP Exome Variant Server 0.58619; gnomAD 0.59507 and 0.60295; TOPMed 0.61149; gnomAD exomes 0.61210 and 0.64407; ExAC 0.64045; 1000 Genomes Project 30x 0.65990; 1000 Genomes Project 0.66254.
gnomAD v4.1: 983,077 of 1,607,082 alleles (61%); highest among the groups gnomAD compares: East Asian, 80%; 304,305 homozygotes.

Submissions (6):

Labcorp Genetics (formerly Invitae), Labcorp
Classification: Benign. Last evaluated: 2026-02-04. Review status: criteria provided, single submitter. Criteria: Invitae Variant Classification Sherloc (09022015). Collection method: clinical testing. Allele origin: germline.

Genome-Nilou Lab
Classification: Benign for Isolated focal non-epidermolytic palmoplantar keratoderma. Last evaluated: 2021-09-10. Review status: criteria provided, single submitter. Criteria: ACMG Guidelines, 2015. Collection method: clinical testing. Allele origin: germline. Affected: no.

Genome-Nilou Lab
Classification: Benign for Olmsted syndrome 1. Last evaluated: 2021-09-10. Review status: criteria provided, single submitter. Criteria: ACMG Guidelines, 2015. Collection method: clinical testing. Allele origin: germline. Affected: no.

GeneDx
Classification: Benign. Last evaluated: 2018-11-12. Review status: criteria provided, single submitter. Criteria: GeneDx Variant Classification Process June 2021. Collection method: clinical testing. Allele origin: germline. Affected: yes.

Illumina Laboratory Services, Illumina
Classification: Benign for Isolated focal non-epidermolytic palmoplantar keratoderma. Last evaluated: 2018-01-13. Review status: criteria provided, single submitter. Criteria: ICSL Variant Classification Criteria 13 December 2019. Collection method: clinical testing. Allele origin: germline.
Comment: This variant was observed in the ICSL laboratory as part of a predisposition screen in an ostensibly healthy population. It had not been previously curated by ICSL or reported in the Human Gene Mutation Database (HGMD: prior to June 1st, 2018), and was therefore a candidate for classification through an automated scoring system. Utilizing variant allele frequency, disease prevalence and penetrance estimates, and inheritance mode, an automated score was calculated to assess if this variant is too frequent to cause the disease. Based on the score and internal cut-off values, a variant classified as benign is not then subjected to further curation. The score for this variant resulted in a classification of benign for this disease.

Breakthrough Genomics
Classification: Benign. Review status: criteria provided, single submitter. Criteria: ACMG Guidelines, 2015. Collection method: not provided. Allele origin: germline. Inheritance: Autosomal dominant inheritance. Affected: yes.